The following is an entry in ClinVar:

ClinVar aggregate classification (germline): Uncertain significance (1 of 4 stars; one submission).

Conditions:
Charcot-Marie-Tooth disease type 4. Also called: Charcot-Marie-Tooth disease, type IV; Charcot-Marie-Tooth, Type 4. Identifiers: Orphanet 64749, MedGen C4082197, MONDO:0018995.

Allele frequency attached by ClinVar (database versions not stated): gnomAD exomes below 0.00001 and 0.00001; ExAC 0.00001.

Submission:

Labcorp Genetics (formerly Invitae), Labcorp
Classification: Uncertain significance for Charcot-Marie-Tooth disease type 4. Last evaluated: 2021-01-15. Review status: criteria provided, single submitter. Criteria: Invitae Variant Classification Sherloc (09022015). Collection method: clinical testing. Allele origin: germline.
Comment: This sequence change replaces valine with isoleucine at codon 229 of the FIG4 protein (p.Val229Ile). The valine residue is highly conserved and there is a small physicochemical difference between valine and isoleucine. This variant is present in population databases (rs779593250, ExAC 0.001%). This variant has not been reported in the literature in individuals with FIG4-related conditions. Algorithms developed to predict the effect of missense changes on protein structure and function are either unavailable or do not agree on the potential impact of this missense change (SIFT: "Deleterious"; PolyPhen-2: "Benign"; Align-GVGD: "Class C0"). In summary, the available evidence is currently insufficient to determine the role of this variant in disease. Therefore, it has been classified as a Variant of Uncertain Significance.

NM_014845.6(FIG4):c.685G>A (p.Val229Ile)

Gene: FIG4 (FIG4 phosphoinositide 5-phosphatase; plus strand). Cytogenetic location: 6q21.
Variant type: single nucleotide variant.
Coding change: c.685G>A on transcript NM_014845.6 (MANE Select); coding-DNA position 685, G replaced by A.
Protein change: p.Val229Ile; replaces valine 229 with isoleucine.
Molecular consequence: missense variant.
Genome position (GRCh38, 1-based): chr6:109,738,363, G>A. VCF-style: chr6-109738363-G-A. GRCh37 (hg19) VCF-style: chr6-110059566-G-A.
Other names: short protein forms V229I.
Identifiers: ClinVar variation 1408534 (VCV001408534.8), dbSNP rs779593250, ClinGen allele CA3955882.